The following is an entry in ClinVar:

ClinVar aggregate classification (germline): Uncertain significance (1 of 4 stars; one submission).

Conditions:
Hypercholesterolemia, autosomal dominant, 3 (FHCL3). Also called: PCSK9-Related Familial Hypercholesterolemia, Autosomal Dominant; Familial Hypercholesterolemia, Autosomal Dominant, 3; Familial hypercholesterolemia 3. Identifiers: MedGen C1863551, MONDO:0011369, OMIM 603776.

gnomAD v4.1: 1 of 1,576,428 alleles (0.000063%); highest among the groups gnomAD compares: Non-Finnish European, 0.000086%; no homozygotes.

Submission:

All of Us Research Program, National Institutes of Health
Classification: Uncertain significance for Hypercholesterolemia, autosomal dominant, 3. Last evaluated: 2023-03-04. Review status: criteria provided, single submitter. Criteria: ACMG Guidelines, 2015. Collection method: clinical testing. Allele origin: germline. Inheritance: Autosomal dominant inheritance. Observed: 1 variant allele, 1 heterozygote.
Comment: This study involves interpretation of variants in research participants for the purpose of population health screening. Participant phenotype was not available at the time of variant classification. Additional details can be found in publication PMID: 35346344, PMCID: PMC8962531

NM_174936.4(PCSK9):c.174C>G (p.His58Gln)

Gene: PCSK9 (proprotein convertase subtilisin/kexin type 9; plus strand). Cytogenetic location: 1p32.3.
Variant type: single nucleotide variant.
Coding change: c.174C>G on transcript NM_174936.4 (MANE Select); coding-DNA position 174, C replaced by G.
Protein change: p.His58Gln; replaces histidine 58 with glutamine.
Molecular consequence: missense variant. On other transcripts: 5 prime UTR variant (1), non-coding transcript variant (8).
Genome position (GRCh38, 1-based): chr1:55,040,011, C>G. VCF-style: chr1-55040011-C-G. GRCh37 (hg19) VCF-style: chr1-55505684-C-G.
Other names: c.174C>G, p.His58Gln (NM_001407240.1, NM_001407241.1, NM_001407244.1 and 4 more transcripts); c.-561C>G (NM_001407246.1); short protein forms H58Q.
Identifiers: ClinVar variation 3069268 (VCV003069268.1), dbSNP rs762353000, ClinGen allele CA340483145.